The following is an entry in ClinVar:

NM_017802.4(DNAAF5):c.280G>A (p.Ala94Thr)

Genes: DNAAF5 (dynein axonemal assembly factor 5; plus strand), PRKAR1B (protein kinase cAMP-dependent type I regulatory subunit beta; minus strand). Cytogenetic location: 7p22.3.
Variant type: single nucleotide variant.
Coding change: c.280G>A on transcript NM_017802.4 (MANE Select); coding-DNA position 280, G replaced by A.
Protein change: p.Ala94Thr; replaces alanine 94 with threonine.
Molecular consequence: missense variant. On other transcripts: non-coding transcript variant (1), intron variant (3).
Genome position (GRCh38, 1-based): chr7:727,000, G>A. VCF-style: chr7-727000-G-A. GRCh37 (hg19) VCF-style: chr7-766637-G-A.
Other names: c.-23+655C>T (NM_001164759.1); c.-23+590C>T (NM_001164758.2); c.-23+210C>T (NM_001164760.2); short protein forms A94T.
Identifiers: ClinVar variation 1428786 (VCV001428786.5), dbSNP rs1048255936, ClinGen allele CA152333408.

ClinVar aggregate classification (germline): Uncertain significance. Review status: criteria provided, multiple submitters, no conflicts (2 of 4 stars). 2 submissions from 2 submitters: Uncertain significance (2). Last evaluated 2024-07-11.

Conditions:
Primary ciliary dyskinesia. Also called: Ciliary dyskinesia. Identifiers: Orphanet 244, MedGen C0008780, MONDO:0016575, HP:0012265.

Allele frequency attached by ClinVar (database versions not stated): gnomAD 0.00007 and 0.00008; gnomAD exomes 0.00016; TOPMed 0.00016; 1000 Genomes Project 30x 0.00031.
gnomAD v4.1: 73 of 1,251,896 alleles (0.0058%); highest among the groups gnomAD compares: Middle Eastern, 0.032%; no homozygotes.

Submissions (2):

Ambry Genetics
Classification: Uncertain significance for Primary ciliary dyskinesia. Last evaluated: 2024-07-11. Review status: criteria provided, single submitter. Criteria: Ambry Variant Classification Scheme 2023. Collection method: clinical testing. Allele origin: germline.
Comment: The p.A94T variant (also known as c.280G>A), located in coding exon 1 of the DNAAF5 gene, results from a G to A substitution at nucleotide position 280. The alanine at codon 94 is replaced by threonine, an amino acid with similar properties. This amino acid position is conserved. In addition, this alteration is predicted to be tolerated by in silico analysis. Based on the available evidence, the clinical significance of this variant remains unclear.

Labcorp Genetics (formerly Invitae), Labcorp
Classification: Uncertain significance for Primary ciliary dyskinesia. Last evaluated: 2022-04-01. Review status: criteria provided, single submitter. Criteria: Invitae Variant Classification Sherloc (09022015). Collection method: clinical testing. Allele origin: germline.
Comment: This sequence change replaces alanine, which is neutral and non-polar, with threonine, which is neutral and polar, at codon 94 of the DNAAF5 protein (p.Ala94Thr). The frequency data for this variant in the population databases is considered unreliable, as metrics indicate poor data quality at this position in the gnomAD database. This variant has not been reported in the literature in individuals affected with DNAAF5-related conditions. Algorithms developed to predict the effect of missense changes on protein structure and function (SIFT, PolyPhen-2, Align-GVGD) all suggest that this variant is likely to be tolerated. In summary, the available evidence is currently insufficient to determine the role of this variant in disease. Therefore, it has been classified as a Variant of Uncertain Significance.